The following is an entry in ClinVar:

ClinVar aggregate classification (germline): Uncertain significance. Review status: criteria provided, multiple submitters, no conflicts (2 of 4 stars). 4 submissions from 4 submitters: Uncertain significance (3). 1 of the submissions does not count toward it. Last evaluated 2022-10-18.

Conditions:
Bone fragility with contractures, arterial rupture, and deafness. Also called: LH3 DEFICIENCY; LYSYL HYDROXYLASE 3 DEFICIENCY; BCARD SYNDROME; BONE ABNORMALITIES, CATARACT, ARTERIAL RUPTURE, AND DEAFNESS. Identifiers: Orphanet 300284, MedGen C2676285, MONDO:0012892, OMIM 612394.
PLOD3-related disorder. Also called: PLOD3-related condition.

Allele frequency attached by ClinVar (database versions not stated): ESP Exome Variant Server 0.00054; TOPMed 0.00074; 1000 Genomes Project 0.00120; 1000 Genomes Project 30x 0.00141.
gnomAD v4.1: 342 of 1,613,798 alleles (0.021%); highest among the groups gnomAD compares: African/African-American, 0.15%; no homozygotes.

Submissions (4):

Labcorp Genetics (formerly Invitae), Labcorp
Classification: Uncertain significance. Last evaluated: 2022-10-18. Review status: criteria provided, single submitter. Criteria: Invitae Variant Classification Sherloc (09022015). Collection method: clinical testing. Allele origin: germline.
Comment: This sequence change replaces proline, which is neutral and non-polar, with arginine, which is basic and polar, at codon 296 of the PLOD3 protein (p.Pro296Arg). This variant is present in population databases (rs143577626, gnomAD 0.1%). This variant has not been reported in the literature in individuals affected with PLOD3-related conditions. ClinVar contains an entry for this variant (Variation ID: 547022). Algorithms developed to predict the effect of missense changes on protein structure and function (SIFT, PolyPhen-2, Align-GVGD) all suggest that this variant is likely to be disruptive. In summary, the available evidence is currently insufficient to determine the role of this variant in disease. Therefore, it has been classified as a Variant of Uncertain Significance.

ARUP Laboratories, Molecular Genetics and Genomics, ARUP Laboratories
Classification: Uncertain significance for Bone fragility with contractures, arterial rupture, and deafness. Last evaluated: 2018-07-05. Review status: criteria provided, single submitter. Criteria: ARUP Molecular Germline Variant Investigation Process. Collection method: clinical testing. Allele origin: germline.
Comment: The PLOD3 c.887C>G; p.Pro296Arg variant (rs143577626), to our knowledge, is not reported in the medical literature or gene specific databases. This variant is found in the general population with an overall allele frequency of 0.037% (101/276248 alleles) in the Genome Aggregation Database. The proline at codon 296 is highly conserved, and computational analyses (SIFT, PolyPhen-2) predict that this variant is deleterious. Due to limited information, the clinical significance of the p.Pro296Arg variant is uncertain at this time.

CeGaT Center for Human Genetics Tuebingen
Classification: Uncertain significance. Last evaluated: 2018-03-01. Review status: criteria provided, single submitter. Criteria: CeGaT Center For Human Genetics Tuebingen Variant Classification Criteria Version 2. Collection method: clinical testing. Allele origin: germline. Affected: yes. Observed: 1 variant allele.

PreventionGenetics, part of Exact Sciences
Classification: Uncertain significance for PLOD3-related condition. Last evaluated: 2024-03-14. Review status: no assertion criteria provided. Collection method: clinical testing. Allele origin: germline. Not counted in ClinVar's aggregate classification.
Comment: The PLOD3 c.887C>G variant is predicted to result in the amino acid substitution p.Pro296Arg. To our knowledge, this variant has not been reported in the literature. This variant is reported in 0.14% of alleles in individuals of African descent in gnomAD. At this time, the clinical significance of this variant is uncertain due to the absence of conclusive functional and genetic evidence.

NM_001084.5(PLOD3):c.887C>G (p.Pro296Arg)

Gene: PLOD3 (procollagen-lysine,2-oxoglutarate 5-dioxygenase 3; minus strand). Cytogenetic location: 7q22.1.
Variant type: single nucleotide variant.
Coding change: c.887C>G on transcript NM_001084.5 (MANE Select); coding-DNA position 887, C replaced by G.
Protein change: p.Pro296Arg; replaces proline 296 with arginine.
Molecular consequence: missense variant.
Genome position (GRCh38, 1-based): chr7:101,212,648, G>C on the plus strand (C>G on the coding strand, the complement: PLOD3 is on the minus strand). VCF-style: chr7-101212648-G-C. GRCh37 (hg19) VCF-style: chr7-100855929-G-C.
Other names: c.887C>G (NM_001084.4); short protein forms P296R.
Identifiers: ClinVar variation 547022 (VCV000547022.51), dbSNP rs143577626, ClinGen allele CA4407948.